The following is an entry in ClinVar:

NM_000138.5(FBN1):c.2728_2728+1delinsAA

Gene: FBN1 (fibrillin 1; minus strand). Cytogenetic location: 15q21.1.
Variant type: Indel.
Coding change: c.2728_2728+1delinsAA on transcript NM_000138.5 (MANE Select); coding-DNA position 2728 through the canonical splice donor site of the intron after coding-DNA position 2728, GG replaced by AA.
Molecular consequence: splice donor variant.
Genome position (GRCh38, 1-based): chr15:48,494,203-48,494,204, CC replaced by TT on the plus strand (GG replaced by AA on the coding strand, the reverse complement: FBN1 is on the minus strand). VCF-style: chr15-48494203-CC-TT. GRCh37 (hg19) VCF-style: chr15-48786400-CC-TT.
Other names: c.2728_2728+1delGGinsAA (NM_000138.4).
Identifiers: ClinVar variation 568615 (VCV000568615.8), dbSNP rs1566911331, ClinGen allele CA891843844.

ClinVar aggregate classification (germline): Likely pathogenic. Review status: criteria provided, multiple submitters, no conflicts (2 of 4 stars). 2 submissions from 2 submitters: Likely pathogenic (2). Last evaluated 2024-03-08.

Conditions:
Familial thoracic aortic aneurysm and aortic dissection (TAAD). Also called: Thoracic aortic aneurysms and dissections. Identifiers: Orphanet 91387, MedGen C4707243, MONDO:0019625.
Marfan syndrome (MFS). Also called: FBN1-Related Marfan Syndrome; Marfan syndrome type 1; Marfan's syndrome; Marfan syndrome, classic; MARFAN SYNDROME, TYPE I. Identifiers: Orphanet 284963, Orphanet 558, MedGen C0024796, MONDO:0007947, OMIM 154700.

Submissions (2):

ARUP Laboratories, Molecular Genetics and Genomics, ARUP Laboratories
Classification: Likely pathogenic. Last evaluated: 2024-03-08. Review status: criteria provided, single submitter. Criteria: ARUP Molecular Germline Variant Investigation Process 2024. Collection method: clinical testing. Allele origin: germline.
Comment: The FBN1 c.2728_2728+1delinsAA variant, to our knowledge, is not reported in the medical literature but is reported in ClinVar (Variation ID: 568615). This variant is absent from the Genome Aggregation Database (v2.1.1), indicating it is not a common polymorphism. This variant disrupts the canonical splice donor site of intron 23, which is likely to negatively impact gene function. Based on available information, this variant is considered to be likely pathogenic.

Labcorp Genetics (formerly Invitae), Labcorp
Classification: Likely pathogenic for Marfan syndrome; Familial thoracic aortic aneurysm and aortic dissection. Last evaluated: 2018-04-06. Review status: criteria provided, single submitter. Criteria: Invitae Variant Classification Sherloc (09022015). Collection method: clinical testing. Allele origin: germline.
Comment: This sequence change affects a donor splice site in intron 23 of the FBN1 gene. It is expected to disrupt RNA splicing and likely results in an absent or disrupted protein product. This variant is not present in population databases (ExAC no frequency). This variant has not been reported in the literature in individuals with FBN1-related disease. Donor and acceptor splice site variants typically lead to a loss of protein function (PMID: 16199547), and loss-of-function variants in FBN1 are known to be pathogenic (PMID: 17657824, 19293843). In summary, the currently available evidence indicates that the variant is pathogenic, but additional data are needed to prove that conclusively. Therefore, this variant has been classified as Likely Pathogenic.

Literature cited by the submitters: PubMed 16199547 (cited by Labcorp Genetics (formerly Invitae), Labcorp); PubMed 17657824 (cited by Labcorp Genetics (formerly Invitae), Labcorp); PubMed 19293843 (cited by Labcorp Genetics (formerly Invitae), Labcorp).